The following is an entry in ClinVar:

ClinVar aggregate classification (germline): Uncertain significance. Review status: criteria provided, multiple submitters, no conflicts (2 of 4 stars). 2 submissions from 2 submitters: Uncertain significance (2). Last evaluated 2024-12-06.

Conditions:
Hereditary cancer-predisposing syndrome. Also called: Tumor predisposition; Neoplastic Syndromes, Hereditary; Hereditary Cancer Syndrome; Hereditary neoplastic syndrome. Identifiers: Orphanet 140162, MedGen C0027672, MeSH D009386, MONDO:0015356.
Gastrointestinal stromal tumor. Also called: Gastrointestinal stromal tumor, somatic; Gastrointestinal stroma tumor. Identifiers: Orphanet 44890, MedGen C0238198, MeSH D046152, MONDO:0011719, OMIM 606764, HP:0100723.

Submissions (2):

Labcorp Genetics (formerly Invitae), Labcorp
Classification: Uncertain significance for Gastrointestinal stromal tumor. Last evaluated: 2024-12-06. Review status: criteria provided, single submitter. Criteria: Invitae Variant Classification Sherloc (09022015). Collection method: clinical testing. Allele origin: germline.
Comment: This sequence change replaces glutamic acid, which is acidic and polar, with alanine, which is neutral and non-polar, at codon 435 of the KIT protein (p.Glu435Ala). This variant is not present in population databases (gnomAD no frequency). This variant has not been reported in the literature in individuals affected with KIT-related conditions. ClinVar contains an entry for this variant (Variation ID: 1524668). An algorithm developed to predict the effect of missense changes on protein structure and function (PolyPhen-2) suggests that this variant is likely to be tolerated. In summary, the available evidence is currently insufficient to determine the role of this variant in disease. Therefore, it has been classified as a Variant of Uncertain Significance.

Ambry Genetics
Classification: Uncertain significance for Hereditary cancer-predisposing syndrome. Last evaluated: 2023-03-09. Review status: criteria provided, single submitter. Criteria: Ambry Variant Classification Scheme 2023. Collection method: clinical testing. Allele origin: germline.
Comment: The p.E435A variant (also known as c.1304A>C), located in coding exon 8 of the KIT gene, results from an A to C substitution at nucleotide position 1304. The glutamic acid at codon 435 is replaced by alanine, an amino acid with dissimilar properties. This amino acid position is conserved. In addition, this alteration is predicted to be tolerated by in silico analysis. Since supporting evidence is limited at this time, the clinical significance of this alteration remains unclear.

NM_000222.3(KIT):c.1304A>C (p.Glu435Ala)

Gene: KIT (KIT proto-oncogene, receptor tyrosine kinase; plus strand). Cytogenetic location: 4q12.
Variant type: single nucleotide variant.
Coding change: c.1304A>C on transcript NM_000222.3 (MANE Select); coding-DNA position 1304, A replaced by C.
Protein change: p.Glu435Ala; replaces glutamic acid 435 with alanine.
Molecular consequence: missense variant.
Genome position (GRCh38, 1-based): chr4:54,723,656, A>C. VCF-style: chr4-54723656-A-C. GRCh37 (hg19) VCF-style: chr4-55589822-A-C.
Other names: c.1304A>C (NM_000222.2); c.1304A>C, p.Glu435Ala (NM_001093772.2, NM_001385285.1, NM_001385286.1); c.1307A>C, p.Glu436Ala (NM_001385284.1, NM_001385288.1, NM_001385290.1 and 1 more transcripts); short protein forms E436A, E435A.
Identifiers: ClinVar variation 1524668 (VCV001524668.10), dbSNP rs2109761128, ClinGen allele CA356905686.